The following is an entry in ClinVar:

ClinVar aggregate classification (germline): Likely benign (0 of 4 stars; one submission).

Conditions:
GRAMD1B-related disorder. Also called: GRAMD1B-related condition.

Allele frequency attached by ClinVar (database versions not stated): ESP Exome Variant Server 0.00008; 1000 Genomes Project 30x 0.00016.
gnomAD v4.1: 685 of 1,557,758 alleles (0.044%); highest among the groups gnomAD compares: Middle Eastern, 1.3%; 1 homozygote.

Submission:

PreventionGenetics, part of Exact Sciences
Classification: Likely benign for GRAMD1B-related condition. Last evaluated: 2021-01-12. Review status: no assertion criteria provided. Collection method: clinical testing. Allele origin: germline.
Comment: This variant is classified as likely benign based on ACMG/AMP sequence variant interpretation guidelines (Richards et al. 2015 PMID: 25741868, with internal and published modifications).

NM_001387025.1(GRAMD1B):c.2597C>G (p.Thr866Arg)

Gene: GRAMD1B (GRAM domain containing 1B; plus strand). Cytogenetic location: 11q24.1.
Variant type: single nucleotide variant.
Coding change: c.2597C>G on transcript NM_001387025.1 (MANE Select); coding-DNA position 2597, C replaced by G.
Protein change: p.Thr866Arg; replaces threonine 866 with arginine.
Molecular consequence: missense variant.
Genome position (GRCh38, 1-based): chr11:123,622,558, C>G. VCF-style: chr11-123622558-C-G. GRCh37 (hg19) VCF-style: chr11-123493266-C-G.
Other names: c.2201C>G, p.Thr734Arg (NM_001286563.3); c.2060C>G, p.Thr687Arg (NM_001286564.3, NM_001387032.1, NM_001387033.1); c.2048C>G, p.Thr683Arg (NM_001330396.3, NM_001387034.1, NM_001387035.1); c.2249C>G, p.Thr750Arg (NM_001367418.2); c.2261C>G, p.Thr754Arg (NM_001367419.2); c.2333C>G, p.Thr778Arg (NM_001367420.2); c.2465C>G, p.Thr822Arg (NM_001367421.2); c.2669C>G, p.Thr890Arg (NM_001387024.1); and 4 more; short protein forms T683R, T687R, T723R, T727R, T734R, T750R, T751R, T754R.
Identifiers: ClinVar variation 3050524 (VCV003050524.2), dbSNP rs368223750, ClinGen allele CA6333933.